The following is an entry in ClinVar:

ClinVar aggregate classification (germline): Benign/Likely benign. Review status: criteria provided, multiple submitters, no conflicts (2 of 4 stars). 9 submissions from 9 submitters: Benign (6); Likely benign (1). 2 of the submissions do not count toward it. Last evaluated 2026-01-24.

Conditions:
Cardiovascular phenotype. Identifiers: MedGen CN230736.
Hypertrophic cardiomyopathy 1 (CMH1). Also called: Familial hypertrophic cardiomyopathy 1; MYH7-Related Familial Hypertrophic Cardiomyopathy. Identifiers: MedGen C3495498, MONDO:0008647, OMIM 192600.
Sick sinus syndrome 3, susceptibility to (SSS3). Identifiers: Orphanet 166282, MedGen C3279791, MONDO:0013568, OMIM 614090.
Hypertrophic cardiomyopathy 14. Identifiers: MedGen C2750467, MONDO:0013197, OMIM 613251.
Dilated cardiomyopathy 1EE (CMD1EE). Identifiers: Orphanet 154, MedGen C2750466, MONDO:0013198, OMIM 613252.
Atrial septal defect 3 (ASD3). Identifiers: Orphanet 1478, MedGen C3279790, MONDO:0013567, OMIM 614089.
Cardiomyopathy (CMYO). Also called: Cardiomyopathies. Identifiers: Orphanet 167848, MedGen C0878544, MONDO:0004994, HP:0001638. Inheritance: Various modes of inheritance.

Allele frequency attached by ClinVar (database versions not stated): gnomAD exomes 0.00061 and 0.00142; ExAC 0.00150; 1000 Genomes Project 0.00379; 1000 Genomes Project 30x 0.00390; gnomAD 0.00451 and 0.00487; TOPMed 0.00517; ESP Exome Variant Server 0.00630.
gnomAD v4.1: 1,605 of 1,614,246 alleles (0.099%); highest among the groups gnomAD compares: African/African-American, 1.6%; 15 homozygotes.

Submissions (9):

Labcorp Genetics (formerly Invitae), Labcorp
Classification: Benign for Hypertrophic cardiomyopathy 14. Last evaluated: 2026-01-24. Review status: criteria provided, single submitter. Criteria: Invitae Variant Classification Sherloc (09022015). Collection method: clinical testing. Allele origin: germline.

ARUP Laboratories, Molecular Genetics and Genomics, ARUP Laboratories
Classification: Benign. Last evaluated: 2025-05-20. Review status: criteria provided, single submitter. Criteria: ARUP Molecular Germline Variant Investigation Process 2024. Collection method: clinical testing. Allele origin: germline.

Fulgent Genetics
Classification: Likely benign for Hypertrophic cardiomyopathy 1; Hypertrophic cardiomyopathy 14; Dilated cardiomyopathy 1EE; Atrial septal defect 3; Sick sinus syndrome 3, susceptibility to. Last evaluated: 2021-07-28. Review status: criteria provided, single submitter. Criteria: ACMG Guidelines, 2015. Collection method: clinical testing. Allele origin: unknown.

CHEO Genetics Diagnostic Laboratory, Children's Hospital of Eastern Ontario
Classification: Benign for Cardiomyopathy. Last evaluated: 2017-08-21. Review status: criteria provided, single submitter. Criteria: ACMG Guidelines, 2015. Collection method: clinical testing. Allele origin: germline. Study: Canadian Open Genetics Repository.

GeneDx
Classification: Benign. Last evaluated: 2016-11-21. Review status: criteria provided, single submitter. Criteria: GeneDx Variant Classification (06012015). Collection method: clinical testing. Allele origin: germline. Affected: yes.
Comment: This variant is considered likely benign or benign based on one or more of the following criteria: it is a conservative change, it occurs at a poorly conserved position in the protein, it is predicted to be benign by multiple in silico algorithms, and/or has population frequency not consistent with disease.

Ambry Genetics
Classification: Benign for Cardiovascular phenotype. Last evaluated: 2014-12-18. Review status: criteria provided, single submitter. Criteria: Ambry Variant Classification Scheme 2023. Collection method: clinical testing. Allele origin: germline.

Laboratory for Molecular Medicine, Mass General Brigham Personalized Medicine
Classification: Benign. Last evaluated: 2012-03-19. Review status: criteria provided, single submitter. Criteria: LMM Criteria. Collection method: clinical testing. Allele origin: germline. Observed: 6 variant alleles.
Comment: p.Ala12Ala in Exon 03 of MYH6: This variant is not expected to have clinical sig nificance because it does not alter an amino acid residue, is not located within the splice consensus sequence and has been identified in 1.9% (72/3738) of Afri can American chromosomes from a broad population by the NHLBI Exome Sequencing P roject (dbSNP rs141014719).

Clinical Genetics DNA and cytogenetics Diagnostics Lab, Erasmus MC, Erasmus Medical Center
Classification: Benign. Review status: no assertion criteria provided. Collection method: clinical testing. Allele origin: germline. Affected: yes. Study: VKGL Data-share Consensus. Not counted in ClinVar's aggregate classification.

Clinical Genetics, Academic Medical Center
Classification: Benign. Review status: no assertion criteria provided. Collection method: clinical testing. Allele origin: germline. Affected: yes. Study: VKGL Data-share Consensus. Not counted in ClinVar's aggregate classification.

NM_002471.4(MYH6):c.36G>A (p.Ala12=)

Genes: MYH6 (myosin heavy chain 6; minus strand), LOC114827851 (VISTA enhancer hs2155; plus strand). Cytogenetic location: 14q11.2.
Variant type: single nucleotide variant.
Coding change: c.36G>A on transcript NM_002471.4 (MANE Select); coding-DNA position 36, G replaced by A.
Protein change: p.Ala12=; no amino-acid change (alanine 12 retained).
Molecular consequence: synonymous variant.
Genome position (GRCh38, 1-based): chr14:23,407,188, C>T on the plus strand (G>A on the coding strand, the complement: MYH6 is on the minus strand). VCF-style: chr14-23407188-C-T. GRCh37 (hg19) VCF-style: chr14-23876397-C-T.
Identifiers: ClinVar variation 164259 (VCV000164259.35), dbSNP rs141014719, ClinGen allele CA176978.